The following is an entry in ClinVar:

ClinVar aggregate classification (germline): Conflicting classifications of pathogenicity. Review status: criteria provided, conflicting classifications (1 of 4 stars). 4 submissions from 4 submitters: Likely pathogenic (1); Uncertain significance (3). Last evaluated 2025-03-08.

Conditions:
Mitochondrial complex II deficiency, nuclear type 1. Also called: SUCCINATE CoQ REDUCTASE DEFICIENCY. Identifiers: Orphanet 3208, MedGen C5700310, MONDO:0100294, OMIM 252011.
Pheochromocytoma/paraganglioma syndrome 5. Also called: Paragangliomas 5; SDHA-Related Hereditary Paraganglioma-Pheochromocytoma Syndrome. Identifiers: Orphanet 29072, MedGen C3279992, MONDO:0013602, OMIM 614165.
Hereditary cancer-predisposing syndrome. Also called: Hereditary Cancer Syndrome; Hereditary neoplastic syndrome; Neoplastic Syndromes, Hereditary; Tumor predisposition. Identifiers: Orphanet 140162, MedGen C0027672, MeSH D009386, MONDO:0015356.
Dilated cardiomyopathy 1GG (CMD1GG). Identifiers: Orphanet 154, MedGen C3150898, MONDO:0013339, OMIM 613642.

gnomAD v4.1: 13 of 1,614,144 alleles (0.00081%); highest among the groups gnomAD compares: Non-Finnish European, 0.001%; no homozygotes.

Submissions (4):

Ambry Genetics
Classification: Likely pathogenic for Hereditary cancer-predisposing syndrome. Last evaluated: 2025-03-08. Review status: criteria provided, single submitter. Criteria: Ambry Variant Classification Scheme 2023. Collection method: clinical testing. Allele origin: germline.
Comment: The p.G412C variant (also known as c.1234G>T), located in coding exon 9 of the SDHA gene, results from a G to T substitution at nucleotide position 1234. The glycine at codon 412 is replaced by cysteine, an amino acid with highly dissimilar properties. This variant was reported in individual(s) with features consistent with SDHA-related paraganglioma-pheochromocytoma syndrome (Ambry internal data; external communication). This amino acid position is highly conserved in available vertebrate species. In addition, this alteration is predicted to be deleterious by in silico analysis. Based on the majority of available evidence to date, this variant is likely to be pathogenic.

Molecular Pathology, Peter Maccallum Cancer Centre
Classification: Uncertain significance for Pheochromocytoma/paraganglioma syndrome 5. Last evaluated: 2025-02-03. Review status: criteria provided, single submitter. Criteria: ACMG Guidelines, 2015. Collection method: clinical testing. Allele origin: germline. Inheritance: Autosomal dominant inheritance.

Labcorp Genetics (formerly Invitae), Labcorp
Classification: Uncertain significance for Pheochromocytoma/paraganglioma syndrome 5; Mitochondrial complex II deficiency, nuclear type 1. Last evaluated: 2024-12-27. Review status: criteria provided, single submitter. Criteria: Invitae Variant Classification Sherloc (09022015). Collection method: clinical testing. Allele origin: germline.
Comment: This sequence change replaces glycine, which is neutral and non-polar, with cysteine, which is neutral and slightly polar, at codon 412 of the SDHA protein (p.Gly412Cys). This variant is present in population databases (rs768055345, gnomAD 0.002%). This variant has not been reported in the literature in individuals affected with SDHA-related conditions. ClinVar contains an entry for this variant (Variation ID: 239640). Invitae Evidence Modeling of protein sequence and biophysical properties (such as structural, functional, and spatial information, amino acid conservation, physicochemical variation, residue mobility, and thermodynamic stability) indicates that this missense variant is expected to disrupt SDHA protein function with a positive predictive value of 95%. In summary, the available evidence is currently insufficient to determine the role of this variant in disease. Therefore, it has been classified as a Variant of Uncertain Significance.

Baylor Genetics
Classification: Uncertain significance for Dilated cardiomyopathy 1GG. Last evaluated: 2023-09-28. Review status: criteria provided, single submitter. Criteria: ACMG Guidelines, 2015. Collection method: clinical testing. Allele origin: unknown.

NM_004168.4(SDHA):c.1234G>T (p.Gly412Cys)

Gene: SDHA (succinate dehydrogenase complex flavoprotein subunit A; plus strand). Cytogenetic location: 5p15.33.
Variant type: single nucleotide variant.
Coding change: c.1234G>T on transcript NM_004168.4 (MANE Select); coding-DNA position 1234, G replaced by T.
Protein change: p.Gly412Cys; replaces glycine 412 with cysteine.
Molecular consequence: missense variant.
Genome position (GRCh38, 1-based): chr5:235,313, G>T. VCF-style: chr5-235313-G-T. GRCh37 (hg19) VCF-style: chr5-235428-G-T.
Other names: c.1090G>T, p.Gly364Cys (NM_001294332.2); c.1234G>T, p.Gly412Cys (NM_001330758.2); short protein forms G412C, G364C.
Identifiers: ClinVar variation 239640 (VCV000239640.17), dbSNP rs768055345, ClinGen allele CA3173146.